The following is an entry in ClinVar:

NM_000291.4(PGK1):c.1213G>C (p.Gly405Arg)

Gene: PGK1 (phosphoglycerate kinase 1; plus strand). Cytogenetic location: Xq21.1.
Variant type: single nucleotide variant.
Coding change: c.1213G>C on transcript NM_000291.4 (MANE Select); coding-DNA position 1213, G replaced by C.
Protein change: p.Gly405Arg; replaces glycine 405 with arginine.
Molecular consequence: missense variant.
Genome position (GRCh38, 1-based): chrX:78,125,425, G>C. VCF-style: chrX-78125425-G-C. GRCh37 (hg19) VCF-style: chrX-77380922-G-C.
Other names: short protein forms G405R.
Identifiers: ClinVar variation 3372670 (VCV003372670.1).

ClinVar aggregate classification (germline): Uncertain significance (1 of 4 stars; one submission).

gnomAD v4.1: 6 of 1,171,328 alleles (0.00051%); highest among the groups gnomAD compares: Non-Finnish European, 0.0007%; no homozygotes.

Submission:

GeneDx
Classification: Uncertain significance. Last evaluated: 2024-04-23. Review status: criteria provided, single submitter. Criteria: GeneDx Variant Classification Process June 2021. Collection method: clinical testing. Allele origin: germline. Affected: yes.
Comment: Not observed at significant frequency in large population cohorts (gnomAD); In silico analysis supports that this missense variant has a deleterious effect on protein structure/function; In silico analysis supports a deleterious effect on splicing; Has not been previously published as pathogenic or benign to our knowledge